The following is an entry in ClinVar:

ClinVar aggregate classification (germline): Conflicting classifications of pathogenicity. Review status: criteria provided, conflicting classifications (1 of 4 stars). 8 submissions from 8 submitters: Uncertain significance (7); Likely benign (1). Last evaluated 2025-09-23.

Conditions:
POLG-related disorder. Also called: POLG-Related Spectrum Disorders; POLG-related condition; POLG-Related Disorders. Identifiers: MedGen C4763519.
Inborn genetic diseases. Identifiers: MedGen C0950123, MeSH D030342.
Progressive sclerosing poliodystrophy (MTDPS4A). Also called: Mitochondrial DNA Depletion Syndrome 4A; ALPERS PROGRESSIVE INFANTILE POLIODYSTROPHY; Alpers Syndrome; NEURONAL DEGENERATION OF CHILDHOOD WITH LIVER DISEASE, PROGRESSIVE; Alpers-Huttenlocher Syndrome (AHS); ALPERS DIFFUSE DEGENERATION OF CEREBRAL GRAY MATTER WITH HEPATIC CIRRHOSIS. Identifiers: Orphanet 726, MedGen C0205710, MONDO:0008758, OMIM 203700.

Allele frequency attached by ClinVar (database versions not stated): gnomAD exomes 0.00001 and 0.00002; ExAC 0.00002; gnomAD 0.00002 and 0.00003; TOPMed 0.00002; ESP Exome Variant Server 0.00008.
gnomAD v4.1: 27 of 1,614,022 alleles (0.0017%); highest among the groups gnomAD compares: Middle Eastern, 0.016%; no homozygotes.

Submissions (8):

PreventionGenetics, part of Exact Sciences
Classification: Uncertain significance for POLG-related condition. Last evaluated: 2025-09-23. Review status: criteria provided, single submitter. Criteria: ACMG Guidelines, 2015. Collection method: clinical testing. Allele origin: germline.
Comment: The POLG c.3266A>G variant is predicted to result in the amino acid substitution p.Gln1089Arg. To our knowledge, this variant has not been reported in the literature. This variant is reported in 0.00088% of alleles in individuals of European (Non-Finnish) descent in gnomAD. At this time, the clinical significance of this variant is uncertain due to the absence of conclusive functional and genetic evidence.

Ambry Genetics
Classification: Uncertain significance for Inborn genetic diseases. Last evaluated: 2025-04-21. Review status: criteria provided, single submitter. Criteria: Ambry Variant Classification Scheme 2023. Collection method: clinical testing. Allele origin: germline.

Labcorp Genetics (formerly Invitae), Labcorp
Classification: Uncertain significance for Progressive sclerosing poliodystrophy. Last evaluated: 2025-01-27. Review status: criteria provided, single submitter. Criteria: Invitae Variant Classification Sherloc (09022015). Collection method: clinical testing. Allele origin: germline.
Comment: This sequence change replaces glutamine, which is neutral and polar, with arginine, which is basic and polar, at codon 1089 of the POLG protein (p.Gln1089Arg). This variant is present in population databases (rs369716454, gnomAD 0.002%). This variant has not been reported in the literature in individuals affected with POLG-related conditions. ClinVar contains an entry for this variant (Variation ID: 619431). Invitae Evidence Modeling of protein sequence and biophysical properties (such as structural, functional, and spatial information, amino acid conservation, physicochemical variation, residue mobility, and thermodynamic stability) indicates that this missense variant is not expected to disrupt POLG protein function with a negative predictive value of 95%. In summary, the available evidence is currently insufficient to determine the role of this variant in disease. Therefore, it has been classified as a Variant of Uncertain Significance.

Blueprint Genetics
Classification: Likely benign. Last evaluated: 2024-10-03. Review status: criteria provided, single submitter. Criteria: ACMG Guidelines, 2015. Collection method: clinical testing. Allele origin: germline.

Women's Health and Genetics/Laboratory Corporation of America, LabCorp
Classification: Uncertain significance. Last evaluated: 2023-12-01. Review status: criteria provided, single submitter. Criteria: LabCorp Variant Classification Summary - May 2015. Collection method: clinical testing. Allele origin: germline.
Comment: Variant summary: POLG c.3266A>G (p.Gln1089Arg) results in a conservative amino acid change located in the DNA polymerase gamma, palm domain (IPR047580) of the encoded protein sequence. Five of five in-silico tools predict a benign effect of the variant on protein function. The variant allele was found at a frequency of 8e-06 in 251034 control chromosomes. The available data on variant occurrences in the general population are insufficient to allow any conclusion about variant significance. To our knowledge, no occurrence of c.3266A>G in individuals affected with POLG-Related Spectrum Disorders and no experimental evidence demonstrating its impact on protein function have been reported. Four submitters have cited clinical-significance assessments for this variant to ClinVar after 2014. All submitters classified the variant as uncertain significance. Based on the evidence outlined above, the variant was classified as uncertain significance.

GeneDx
Classification: Uncertain significance. Last evaluated: 2023-03-30. Review status: criteria provided, single submitter. Criteria: GeneDx Variant Classification Process June 2021. Collection method: clinical testing. Allele origin: germline. Affected: yes.
Comment: Not observed at a significant frequency in large population cohorts (gnomAD); In silico analysis supports that this missense variant does not alter protein structure/function; Has not been previously published as pathogenic or benign to our knowledge

Athena Diagnostics
Classification: Uncertain significance. Last evaluated: 2021-01-11. Review status: criteria provided, single submitter. Criteria: Athena Diagnostics criteria. Collection method: clinical testing. Allele origin: unknown.

Wong Mito Lab, Molecular and Human Genetics, Baylor College of Medicine
Classification: Uncertain significance for Progressive sclerosing poliodystrophy. Last evaluated: 2018-10-01. Review status: criteria provided, single submitter. Criteria: ACMG Guidelines, 2015. Collection method: clinical testing. Allele origin: germline.
Comment: The NM_002693.2:c.3266A>G (NP_002684.1:p.Gln1089Arg) [GRCH38: NC_000015.10:g.89318938T>C] variant in POLG gene is interpretated to be a Uncertain Significance based on ACMG guidelines (PMID: 25741868). This variant meets the following evidence codes reported in the ACMG-guideline. PM2:This variant is absent in key population databases. Based on the evidence criteria codes applied, the variant is suggested to be Uncertain Significance.

NM_002693.3(POLG):c.3266A>G (p.Gln1089Arg)

Gene: POLG (DNA polymerase gamma, catalytic subunit; minus strand). Cytogenetic location: 15q26.1.
Variant type: single nucleotide variant.
Coding change: c.3266A>G on transcript NM_002693.3 (MANE Select); coding-DNA position 3266, A replaced by G.
Protein change: p.Gln1089Arg; replaces glutamine 1089 with arginine.
Molecular consequence: missense variant.
Genome position (GRCh38, 1-based): chr15:89,318,938, T>C on the plus strand (A>G on the coding strand, the complement: POLG is on the minus strand). VCF-style: chr15-89318938-T-C. GRCh37 (hg19) VCF-style: chr15-89862169-T-C.
Other names: c.3266A>G, p.Gln1089Arg (NM_001126131.2); short protein forms Q1089R.
Identifiers: ClinVar variation 619431 (VCV000619431.17), dbSNP rs369716454, ClinGen allele CA7724193.